The following is an entry in ClinVar:

NM_001267550.2(TTN):c.58982G>A (p.Gly19661Asp)

Genes: TTN-AS1 (TTN antisense RNA 1; plus strand), TTN (titin; minus strand). Cytogenetic location: 2q31.2.
Variant type: single nucleotide variant.
Coding change: c.58982G>A on transcript NM_001267550.2 (MANE Select); coding-DNA position 58982, G replaced by A.
Protein change: p.Gly19661Asp; replaces glycine 19661 with aspartic acid.
Molecular consequence: missense variant.
Genome position (GRCh38, 1-based): chr2:178,593,226, C>T on the plus strand (G>A on the coding strand, the complement: TTN is on the minus strand). VCF-style: chr2-178593226-C-T. GRCh37 (hg19) VCF-style: chr2-179457953-C-T.
Other names: p.Gly18020Asp; c.54059G>A, p.Gly18020Asp (NM_001256850.1); c.31787G>A, p.Gly10596Asp (NM_003319.4); c.32162G>A, p.Gly10721Asp (NM_133432.3); c.32363G>A, p.Gly10788Asp (NM_133437.4); c.51278G>A, p.Gly17093Asp (NM_133378.4); c.58982G>A (NM_001267550.1); short protein forms G19661D, G17093D, G10721D, G10596D, G10788D, G18020D.
Identifiers: ClinVar variation 47143 (VCV000047143.13), dbSNP rs397517640, ClinGen allele CA140115.

ClinVar aggregate classification (germline): Conflicting classifications of pathogenicity. Review status: criteria provided, conflicting classifications (1 of 4 stars). 6 submissions from 6 submitters: Uncertain significance (3); Likely benign (2). 1 of the submissions does not count toward it. Last evaluated 2024-06-20.

Conditions:
TTN-related disorder. Also called: TTN-related disorders; TTN-related condition; TTN-related disease.
Autosomal recessive limb-girdle muscular dystrophy type 2J (LGMDR10). Also called: Limb-girdle muscular dystrophy, type 2J; MUSCULAR DYSTROPHY, LIMB-GIRDLE, AUTOSOMAL RECESSIVE 10. Identifiers: Orphanet 140922, MedGen C1837342, MONDO:0012127, OMIM 608807.
Dilated cardiomyopathy 1G (CMD1G). Identifiers: Orphanet 154, MedGen C1858763, MONDO:0011400, OMIM 604145.

Allele frequency attached by ClinVar (database versions not stated): ExAC 0.00002; gnomAD exomes 0.00002; TOPMed 0.00002; gnomAD 0.00004.
gnomAD v4.1: 30 of 1,613,274 alleles (0.0019%); highest among the groups gnomAD compares: African/African-American, 0.0027%; no homozygotes.

Submissions (6):

Blueprint Genetics
Classification: Likely benign. Last evaluated: 2024-06-20. Review status: criteria provided, single submitter. Criteria: ACMG Guidelines, 2015. Collection method: clinical testing. Allele origin: germline.

Mayo Clinic Laboratories, Mayo Clinic
Classification: Uncertain significance. Last evaluated: 2022-04-21. Review status: criteria provided, single submitter. Criteria: ACMG Guidelines, 2015. Collection method: clinical testing. Allele origin: germline. Observed: 1 variant allele.

GeneDx
Classification: Likely benign. Last evaluated: 2019-01-25. Review status: criteria provided, single submitter. Criteria: GeneDx Variant Classification Process June 2021. Collection method: clinical testing. Allele origin: germline. Affected: yes.
Comment: See Variant Classification Assertion Criteria.

Labcorp Genetics (formerly Invitae), Labcorp
Classification: Uncertain significance for Dilated cardiomyopathy 1G; Autosomal recessive limb-girdle muscular dystrophy type 2J. Last evaluated: 2017-10-27. Review status: criteria provided, single submitter. Criteria: Invitae Variant Classification Sherloc (09022015). Collection method: clinical testing. Allele origin: germline.

Laboratory for Molecular Medicine, Mass General Brigham Personalized Medicine
Classification: Uncertain significance. Last evaluated: 2012-07-17. Review status: criteria provided, single submitter. Criteria: LMM Criteria. Collection method: clinical testing. Allele origin: germline. Observed: 1 variant allele.
Comment: The Gly17093Asp variant in TTN has not been reported in the literature nor previ ously identified in large and broad populations (European and African American) by the NHLBI Exome Sequencing Project. This l ow frequency is consistent with a disease causing role but insufficient to estab lish this with confidence. Computational analyses (biochemical amino acid proper ties, conservation, AlignGVGD, PolyPhen2, and SIFT) suggest that the Gly17093Asp variant may impact the protein, though this information is not predictive enoug h to determine pathogenicity. Additional information is needed to fully assess the clinical significance of the Gly17093Asp variant.

PreventionGenetics, part of Exact Sciences
Classification: Uncertain significance for TTN-related condition. Last evaluated: 2023-12-19. Review status: no assertion criteria provided. Collection method: clinical testing. Allele origin: germline. Not counted in ClinVar's aggregate classification.
Comment: The TTN c.58982G>A variant is predicted to result in the amino acid substitution p.Gly19661Asp. This variant was reported as uncertain significance in an individual with dilated cardiomyopathy (described as p.Gly17093Asp with an alternate transcript in Table S2, Burstein et al. 2021. PubMed ID: 32746448). This variant is reported in 0.0055% of alleles in individuals of European (Non-Finnish) descent in gnomAD. At this time, the clinical significance of this variant is uncertain due to the absence of conclusive functional and genetic evidence.

Literature cited by the submitters: PubMed 32746448 (cited by Mayo Clinic Laboratories, Mayo Clinic).